The following is an entry in ClinVar:

ClinVar aggregate classification (germline): Likely pathogenic (1 of 4 stars; one submission).

Conditions:
Steroid-resistant nephrotic syndrome. Identifiers: MedGen C0403397, MONDO:0044765, HP:0012588.

Submission:

Natera, Inc.
Classification: Likely pathogenic for Steroid-resistant nephrotic syndrome. Last evaluated: 2024-11-22. Review status: criteria provided, single submitter. Criteria: Natera Variant Classification Schema (03/2026). Collection method: clinical testing. Allele origin: germline.
Comment: The c.841G>A variant in NPHS2 is a missense variant predicted to cause substitution of glutamic acid to lysine at amino acid 281. This variant is rare in the general population with a frequency below the threshold expected for the associated phenotype(s). This variant has been observed in one or more individuals affected with the associated recessive disease, as either homozygous or compound heterozygous with a second variant (PMID: 36898413, 25349199). Additionally, this variant has been observed to segregate in affected family members (PMID: 25349199). Computational prediction algorithms indicate this variant is likely to affect gene or protein function. Given the available evidence, this variant is classified as Likely Pathogenic.

Literature cited by the submitters: PubMed 36898413; PubMed 25349199.

NM_014625.4(NPHS2):c.841G>A (p.Glu281Lys)

Genes: AXDND1 (axonemal dynein light chain domain containing 1; plus strand), NPHS2 (NPHS2 stomatin family member, podocin; minus strand). Cytogenetic location: 1q25.2.
Variant type: single nucleotide variant.
Coding change: c.841G>A on transcript NM_014625.4 (MANE Select); coding-DNA position 841, G replaced by A.
Protein change: p.Glu281Lys; replaces glutamic acid 281 with lysine.
Molecular consequence: missense variant. On other transcripts: intron variant (1).
Genome position (GRCh38, 1-based): chr1:179,552,635, C>T on the plus strand (G>A on the coding strand, the complement: NPHS2 is on the minus strand). VCF-style: chr1-179552635-C-T. GRCh37 (hg19) VCF-style: chr1-179521770-C-T.
Other names: c.637G>A, p.Glu213Lys (NM_001297575.2); c.3032-1877C>T (NM_144696.6); short protein forms E213K, E281K.
Identifiers: ClinVar variation 4815736 (VCV004815736.1).